The following is an entry in ClinVar:

NM_001017420.3(ESCO2):c.35A>G (p.Asp12Gly)

Gene: ESCO2 (establishment of sister chromatid cohesion N-acetyltransferase 2; plus strand). Cytogenetic location: 8p21.1.
Variant type: single nucleotide variant.
Coding change: c.35A>G on transcript NM_001017420.3 (MANE Select); coding-DNA position 35, A replaced by G.
Protein change: p.Asp12Gly; replaces aspartic acid 12 with glycine.
Molecular consequence: missense variant.
Genome position (GRCh38, 1-based): chr8:27,775,549, A>G. VCF-style: chr8-27775549-A-G. GRCh37 (hg19) VCF-style: chr8-27633066-A-G.
Other names: short protein forms D12G.
Identifiers: ClinVar variation 4772419 (VCV004772419.1).

ClinVar aggregate classification (germline): Uncertain significance (1 of 4 stars; one submission).

Submission:

Labcorp Genetics (formerly Invitae), Labcorp
Classification: Uncertain significance. Last evaluated: 2025-07-16. Review status: criteria provided, single submitter. Criteria: Invitae Variant Classification Sherloc (09022015). Collection method: clinical testing. Allele origin: germline.
Comment: This sequence change replaces aspartic acid, which is acidic and polar, with glycine, which is neutral and non-polar, at codon 12 of the ESCO2 protein (p.Asp12Gly). This variant is not present in population databases (gnomAD no frequency). This variant has not been reported in the literature in individuals affected with ESCO2-related conditions. An algorithm developed to predict the effect of missense changes on protein structure and function (PolyPhen-2) suggests that this variant is likely to be tolerated. In summary, the available evidence is currently insufficient to determine the role of this variant in disease. Therefore, it has been classified as a Variant of Uncertain Significance.